The following is an entry in ClinVar:

ClinVar aggregate classification (germline): Uncertain significance. Review status: criteria provided, multiple submitters, no conflicts (2 of 4 stars). 2 submissions from 2 submitters: Uncertain significance (2). Last evaluated 2024-03-08.

Conditions:
Inborn genetic diseases. Identifiers: MedGen C0950123, MeSH D030342.

Allele frequency attached by ClinVar (database versions not stated): gnomAD exomes below 0.00001; ExAC 0.00001.
gnomAD v4.1: 3 of 1,595,838 alleles (0.00019%); highest among the groups gnomAD compares: Non-Finnish European, 0.00026%; no homozygotes.

Submissions (2):

Ambry Genetics
Classification: Uncertain significance for Inborn genetic diseases. Last evaluated: 2024-03-08. Review status: criteria provided, single submitter. Criteria: Ambry Variant Classification Scheme 2023. Collection method: clinical testing. Allele origin: germline.
Comment: The c.1240C>T (p.R414C) alteration is located in exon 13 (coding exon 13) of the RBFOX1 gene. This alteration results from a C to T substitution at nucleotide position 1240, causing the arginine (R) at amino acid position 414 to be replaced by a cysteine (C). Based on data from gnomAD, the T allele has an overall frequency of <0.001% (1/235546) total alleles studied. The highest observed frequency was 0.001% (1/109694) of European (non-Finnish) alleles. This amino acid position is highly conserved in available vertebrate species. This alteration is predicted to be deleterious by in silico analysis. Based on insufficient or conflicting evidence, the clinical significance of this alteration remains unclear.

CeGaT Center for Human Genetics Tuebingen
Classification: Uncertain significance. Last evaluated: 2018-05-01. Review status: criteria provided, single submitter. Criteria: CeGaT Center For Human Genetics Tuebingen Variant Classification Criteria Version 2. Collection method: clinical testing. Allele origin: germline. Affected: yes. Observed: 3 variant alleles.

NM_018723.4(RBFOX1):c.1177C>T (p.Arg393Cys)

Gene: RBFOX1 (RNA binding fox-1 homolog 1; plus strand). Cytogenetic location: 16p13.3.
Variant type: single nucleotide variant.
Coding change: c.1177C>T on transcript NM_018723.4 (MANE Select); coding-DNA position 1177, C replaced by T.
Protein change: p.Arg393Cys; replaces arginine 393 with cysteine.
Molecular consequence: missense variant. On other transcripts: 3 prime UTR variant (2).
Genome position (GRCh38, 1-based): chr16:7,710,728, C>T. VCF-style: chr16-7710728-C-T. GRCh37 (hg19) VCF-style: chr16-7760730-C-T.
Other names: c.1096C>T, p.Arg366Cys (NM_001142333.2); c.1177C>T, p.Arg393Cys (NM_001142334.2); c.*105C>T (NM_001364800.2, NM_145893.3); c.1240C>T, p.Arg414Cys (NM_145891.3); c.1162C>T, p.Arg388Cys (NM_145892.3); c.1240C>T (NM_145891.2); short protein forms R393C, R414C, R388C, R366C.
Identifiers: ClinVar variation 624080 (VCV000624080.44), dbSNP rs755043919, ClinGen allele CA7892036.